The following is an entry in ClinVar:

ClinVar aggregate classification (germline): Benign/Likely benign. Review status: criteria provided, multiple submitters, no conflicts (2 of 4 stars). 4 submissions from 4 submitters: Benign (1); Likely benign (3). Last evaluated 2026-07-01.

Conditions:
Rafiq syndrome (RAFQS). Identifiers: Orphanet 88616, MedGen C3280127, MONDO:0013624, OMIM 614202.
Inborn genetic diseases. Identifiers: MedGen C0950123, MeSH D030342.

Allele frequency attached by ClinVar (database versions not stated): TOPMed 0.00214; ESP Exome Variant Server 0.00215; gnomAD exomes 0.00349 and 0.00177; ExAC 0.00351; gnomAD 0.00371 and 0.00378; 1000 Genomes Project 30x 0.00375; 1000 Genomes Project 0.00399.
gnomAD v4.1: 3,182 of 1,614,224 alleles (0.2%); highest among the groups gnomAD compares: East Asian, 0.82%; 24 homozygotes.

Submissions (4):

CeGaT Center for Human Genetics Tuebingen
Classification: Likely benign. Last evaluated: 2026-07-01. Review status: criteria provided, single submitter. Criteria: CeGaT Center For Human Genetics Tuebingen Variant Classification Criteria Version 2. Collection method: clinical testing. Allele origin: germline. Affected: yes. Observed: 2 variant alleles.
Comment: MAN1B1: BP4, BP7

Labcorp Genetics (formerly Invitae), Labcorp
Classification: Benign for Rafiq syndrome. Last evaluated: 2026-01-05. Review status: criteria provided, single submitter. Criteria: Invitae Variant Classification Sherloc (09022015). Collection method: clinical testing. Allele origin: germline.

Illumina Laboratory Services, Illumina
Classification: Likely benign for Rafiq syndrome. Last evaluated: 2018-01-13. Review status: criteria provided, single submitter. Criteria: ICSL Variant Classification Criteria 13 December 2019. Collection method: clinical testing. Allele origin: germline.
Comment: This variant was observed in the ICSL laboratory as part of a predisposition screen in an ostensibly healthy population. It had not been previously curated by ICSL or reported in the Human Gene Mutation Database (HGMD: prior to June 1st, 2018), and was therefore a candidate for classification through an automated scoring system. Utilizing variant allele frequency, disease prevalence and penetrance estimates, and inheritance mode, an automated score was calculated to assess if this variant is too frequent to cause the disease. Based on the score and internal cut-off values, a variant classified as likely benign is not then subjected to further curation. The score for this variant resulted in a classification of likely benign for this disease.

Ambry Genetics
Classification: Likely benign for Inborn genetic diseases. Last evaluated: 2016-07-26. Review status: criteria provided, single submitter. Criteria: Ambry Variant Classification Scheme 2023. Collection method: clinical testing. Allele origin: germline.

NM_016219.5(MAN1B1):c.861C>T (p.Leu287=)

Gene: MAN1B1 (mannosidase alpha class 1B member 1; plus strand). Cytogenetic location: 9q34.3.
Variant type: single nucleotide variant.
Coding change: c.861C>T on transcript NM_016219.5 (MANE Select); coding-DNA position 861, C replaced by T.
Protein change: p.Leu287=; no amino-acid change (leucine 287 retained).
Molecular consequence: synonymous variant. On other transcripts: non-coding transcript variant (2).
Genome position (GRCh38, 1-based): chr9:137,099,826, C>T. VCF-style: chr9-137099826-C-T. GRCh37 (hg19) VCF-style: chr9-139994278-C-T.
Identifiers: ClinVar variation 588086 (VCV000588086.42), dbSNP rs142928152, ClinGen allele CA5358808.
Genomic context (GRCh38, chr9:137,099,826, plus strand): 5'-TGCATGGGGCCATGACGAGCTGAAGCCTGTGTCCAGGTCCTTCAGTGAGTGGTTTGGCCT[C>T]GGTCTCACACTGATCGACGCGCTGGACACCATGTGGATCTTGGGTCTGAGGAAAGGTACC-3'
Protein context (NP_057303.2, residues 277-297): VSRSFSEWFG[Leu287=]GLTLIDALDT